The following is an entry in ClinVar:

NM_001048174.2(MUTYH):c.389C>T (p.Thr130Ile)

Gene: MUTYH (mutY DNA glycosylase; minus strand). Cytogenetic location: 1p34.1.
Variant type: single nucleotide variant.
Coding change: c.389C>T on transcript NM_001048174.2 (MANE Select); coding-DNA position 389, C replaced by T.
Protein change: p.Thr130Ile; replaces threonine 130 with isoleucine.
Molecular consequence: missense variant. On other transcripts: non-coding transcript variant (2).
Genome position (GRCh38, 1-based): chr1:45,332,949, G>A on the plus strand (C>T on the coding strand, the complement: MUTYH is on the minus strand). VCF-style: chr1-45332949-G-A. GRCh37 (hg19) VCF-style: chr1-45798621-G-A.
Other names: c.389C>T, p.Thr130Ile (NM_001048171.2, NM_001048173.2, NM_001293195.2); c.392C>T, p.Thr131Ile (NM_001048172.2); c.473C>T, p.Thr158Ile (NM_001128425.2); c.434C>T, p.Thr145Ile (NM_001293190.2); c.422C>T, p.Thr141Ile (NM_001293191.2); c.113C>T, p.Thr38Ile (NM_001293192.2, NM_001293196.2); c.44C>T, p.Thr15Ile (NM_001350650.2, NM_001350651.2); c.464C>T, p.Thr155Ile (NM_012222.3); short protein forms T158I, T38I, T130I, T141I, T155I, T145I, T131I, T15I.
Identifiers: ClinVar variation 533316 (VCV000533316.11), dbSNP rs771549068, ClinGen allele CA057957.

ClinVar aggregate classification (germline): Uncertain significance. Review status: criteria provided, multiple submitters, no conflicts (2 of 4 stars). 3 submissions from 3 submitters: Uncertain significance (3). Last evaluated 2025-06-24.

Conditions:
Familial adenomatous polyposis 2. Also called: MUTYH-related attenuated familial adenomatous polyposis; MYH-associated polyposis; MUTYH-associated polyposis; Adenomas, multiple colorectal; FAP type 2; MUTYH Polyposis. Identifiers: Orphanet 220460, Orphanet 247798, MedGen C3272841, MONDO:0012041, OMIM 608456.
Gastric cancer. Also called: Stomach cancer; Malignant tumor of stomach. Identifiers: MedGen C0024623, MeSH D013274, MONDO:0001056, OMIM 613659, HP:0012126.
Hereditary cancer-predisposing syndrome. Also called: Hereditary neoplastic syndrome; Neoplastic Syndromes, Hereditary; Hereditary Cancer Syndrome; Tumor predisposition. Identifiers: Orphanet 140162, MedGen C0027672, MeSH D009386, MONDO:0015356.

Allele frequency attached by ClinVar (database versions not stated): gnomAD exomes 0.00001; ExAC 0.00002.
gnomAD v4.1: 7 of 1,614,152 alleles (0.00043%); highest among the groups gnomAD compares: Non-Finnish European, 0.00051%; no homozygotes.

Submissions (3):

Labcorp Genetics (formerly Invitae), Labcorp
Classification: Uncertain significance for Familial adenomatous polyposis 2. Last evaluated: 2025-06-24. Review status: criteria provided, single submitter. Criteria: Invitae Variant Classification Sherloc (09022015). Collection method: clinical testing. Allele origin: germline.
Comment: This sequence change replaces threonine, which is neutral and polar, with isoleucine, which is neutral and non-polar, at codon 158 of the MUTYH protein (p.Thr158Ile). This variant is present in population databases (rs771549068, gnomAD 0.002%). This variant has not been reported in the literature in individuals affected with MUTYH-related conditions. ClinVar contains an entry for this variant (Variation ID: 533316). An algorithm developed to predict the effect of missense changes on protein structure and function (PolyPhen-2) suggests that this variant is likely to be disruptive. In summary, the available evidence is currently insufficient to determine the role of this variant in disease. Therefore, it has been classified as a Variant of Uncertain Significance.

Ambry Genetics
Classification: Uncertain significance for Hereditary cancer-predisposing syndrome. Last evaluated: 2025-04-28. Review status: criteria provided, single submitter. Criteria: Ambry Variant Classification Scheme 2023. Collection method: clinical testing. Allele origin: germline.
Comment: The p.T158I variant (also known as c.473C>T), located in coding exon 6 of the MUTYH gene, results from a C to T substitution at nucleotide position 473. The threonine at codon 158 is replaced by isoleucine, an amino acid with similar properties. This amino acid position is highly conserved in available vertebrate species. In addition, this alteration is predicted to be deleterious by in silico analysis. Based on the available evidence, the clinical significance of this variant remains unclear.

Department of Pathology and Laboratory Medicine, Sinai Health System
Classification: Uncertain significance for Familial adenomatous polyposis 2; Gastric cancer. Last evaluated: 2019-12-19. Review status: criteria provided, single submitter. Criteria: ACMG Guidelines, 2015. Collection method: clinical testing. Allele origin: germline. Affected: yes.